The following is an entry in ClinVar:

NM_022124.6(CDH23):c.5192T>C (p.Leu1731Pro)

Gene: CDH23 (cadherin related 23; plus strand). Cytogenetic location: 10q22.1.
Variant type: single nucleotide variant.
Coding change: c.5192T>C on transcript NM_022124.6 (MANE Select); coding-DNA position 5192, T replaced by C.
Protein change: p.Leu1731Pro; replaces leucine 1731 with proline.
Molecular consequence: missense variant.
Genome position (GRCh38, 1-based): chr10:71,779,271, T>C. VCF-style: chr10-71779271-T-C. GRCh37 (hg19) VCF-style: chr10-73539028-T-C.
Other names: c.5192T>C (NM_022124.5); short protein forms L1731P.
Identifiers: ClinVar variation 1432380 (VCV001432380.7), dbSNP rs755419337, ClinGen allele CA5545685.

ClinVar aggregate classification (germline): Uncertain significance. Review status: criteria provided, multiple submitters, no conflicts (2 of 4 stars). 3 submissions from 3 submitters: Uncertain significance (3). Last evaluated 2025-05-28.

Conditions:
Inborn genetic diseases. Identifiers: MedGen C0950123, MeSH D030342.

Allele frequency attached by ClinVar (database versions not stated): gnomAD exomes below 0.00001; ExAC 0.00001; gnomAD 0.00002; TOPMed 0.00003.
gnomAD v4.1: 6 of 1,613,884 alleles (0.00037%); highest among the groups gnomAD compares: African/African-American, 0.0067%; no homozygotes.

Submissions (3):

Ambry Genetics
Classification: Uncertain significance for Inborn genetic diseases. Last evaluated: 2025-05-28. Review status: criteria provided, single submitter. Criteria: Ambry Variant Classification Scheme 2023. Collection method: clinical testing. Allele origin: germline.

Labcorp Genetics (formerly Invitae), Labcorp
Classification: Uncertain significance. Last evaluated: 2021-09-24. Review status: criteria provided, single submitter. Criteria: Invitae Variant Classification Sherloc (09022015). Collection method: clinical testing. Allele origin: germline.
Comment: This sequence change replaces leucine with proline at codon 1731 of the CDH23 protein (p.Leu1731Pro). The leucine residue is highly conserved and there is a moderate physicochemical difference between leucine and proline. This variant is present in population databases (rs755419337, ExAC 0.01%). This variant has not been reported in the literature in individuals with CDH23-related conditions. Algorithms developed to predict the effect of missense changes on protein structure and function are either unavailable or do not agree on the potential impact of this missense change (SIFT: "Deleterious"; PolyPhen-2: "Not available"; Align-GVGD: "Class C35"). In summary, the available evidence is currently insufficient to determine the role of this variant in disease. Therefore, it has been classified as a Variant of Uncertain Significance.

Blueprint Genetics
Classification: Uncertain significance. Last evaluated: 2018-11-30. Review status: criteria provided, single submitter. Criteria: ACMG Guidelines, 2015. Collection method: clinical testing. Allele origin: germline.